The following is an entry in ClinVar:

ClinVar aggregate classification (germline): Pathogenic (1 of 4 stars; one submission).

Conditions:
Autosomal recessive polycystic kidney disease (ARPKD). Also called: AR polycystic kidney disease. Identifiers: Orphanet 731, Orphanet 8378, MedGen C0085548, MeSH D017044, MONDO:0009889.

Submission:

Labcorp Genetics (formerly Invitae), Labcorp
Classification: Pathogenic for Autosomal recessive polycystic kidney disease. Last evaluated: 2023-11-22. Review status: criteria provided, single submitter. Criteria: Invitae Variant Classification Sherloc (09022015). Collection method: clinical testing. Allele origin: germline.
Comment: This sequence change creates a premature translational stop signal (p.Asn3621Lysfs*13) in the PKHD1 gene. It is expected to result in an absent or disrupted protein product. Loss-of-function variants in PKHD1 are known to be pathogenic (PMID: 19940839). This variant is not present in population databases (gnomAD no frequency). This variant has not been reported in the literature in individuals affected with PKHD1-related conditions. For these reasons, this variant has been classified as Pathogenic.

Literature cited by the submitters: PubMed 19940839.

NM_138694.4(PKHD1):c.10850_10862dup (p.Asn3621fs)

Gene: PKHD1 (PKHD1 ciliary IPT domain containing fibrocystin/polyductin; minus strand). Cytogenetic location: 6p12.3.
Variant type: Duplication.
Coding change: c.10850_10862dup on transcript NM_138694.4 (MANE Select); coding-DNA positions 10850 to 10862, 13 bases duplicated (AAAGAAAGCGCAA).
Protein change: p.Asn3621fs; shifts the reading frame from asparagine 3621.
Molecular consequence: frameshift variant.
Genome position (GRCh38, 1-based): chr6:51,659,264-51,659,276, TTGCGCTTTCTTT duplicated on the plus strand (AAAGAAAGCGCAA on the coding strand, the reverse complement: PKHD1 is on the minus strand); duplicating any 13 consecutive bases within chr6:51,659,264-51,659,280 gives the same sequence; the c. name uses the placement nearest the transcript's 3' end. VCF-style (leftmost placement, unchanged base first): chr6-51659263-A-ATTGCGCTTTCTTT. GRCh37 (hg19) VCF-style: chr6-51524061-A-ATTGCGCTTTCTTT.
Other names: short protein forms N3621fs.
Identifiers: ClinVar variation 2698189 (VCV002698189.3), dbSNP rs2533437974, ClinGen allele CA2697553451.